The following is an entry in ClinVar:

NM_005502.4(ABCA1):c.3047C>T (p.Ala1016Val)

Gene: ABCA1 (ATP binding cassette subfamily A member 1; minus strand). Cytogenetic location: 9q31.1.
Variant type: single nucleotide variant.
Coding change: c.3047C>T on transcript NM_005502.4 (MANE Select); coding-DNA position 3047, C replaced by T.
Protein change: p.Ala1016Val; replaces alanine 1016 with valine.
Molecular consequence: missense variant.
Genome position (GRCh38, 1-based): chr9:104,819,983, G>A on the plus strand (C>T on the coding strand, the complement: ABCA1 is on the minus strand). VCF-style: chr9-104819983-G-A. GRCh37 (hg19) VCF-style: chr9-107582264-G-A.
Other names: short protein forms A1016V.
Identifiers: ClinVar variation 3935768 (VCV003935768.1).
Genomic context (GRCh38, chr9:104,819,983, plus strand): 5'-GCACCTGACAGCTGGCTTGTTTTGCTTTTCAGCTTGCTTGATGGCAAACCAACATCCAGG[G>A]CCATCTGCTCCATCTCCGCCTTCACGTGCTTCTCAGAGAGCCCTTTCAAGCGGGCATAGA-3'
Protein context (NP_005493.2, residues 1006-1026): KHVKAEMEQM[Ala1016Val]LDVGLPSSKL

ClinVar aggregate classification (germline): Uncertain significance (1 of 4 stars; one submission).

Conditions:
Cardiovascular phenotype. Identifiers: MedGen CN230736.

Submission:

Ambry Genetics
Classification: Uncertain significance for Cardiovascular phenotype. Last evaluated: 2025-05-14. Review status: criteria provided, single submitter. Criteria: Ambry Variant Classification Scheme 2023. Collection method: clinical testing. Allele origin: germline.
Comment: The p.A1016V variant (also known as c.3047C>T), located in coding exon 20 of the ABCA1 gene, results from a C to T substitution at nucleotide position 3047. The alanine at codon 1016 is replaced by valine, an amino acid with similar properties. This amino acid position is conserved. In addition, this alteration is predicted to be tolerated by in silico analysis. Based on the available evidence, the clinical significance of this variant remains unclear.